The following is an entry in ClinVar:

ClinVar aggregate classification (germline): Benign. Review status: criteria provided, multiple submitters, no conflicts (2 of 4 stars). 2 submissions from 2 submitters: Benign (2). Last evaluated 2018-11-12.

Conditions:
Polycystic liver disease 2 (PCLD2). Also called: Polycystic liver disease 2 with or without kidney cysts. Identifiers: Orphanet 2924, MedGen C4310769, MONDO:0014860, OMIM 617004.

Allele frequency attached by ClinVar (database versions not stated): 1000 Genomes Project 0.86282; gnomAD 0.88063 and 0.88225; 1000 Genomes Project 30x 0.86805; TOPMed 0.88525; gnomAD exomes 0.85426.
gnomAD v4.1: 743,222 of 864,934 alleles (86%); highest among the groups gnomAD compares: African/African-American, 91%; 320,844 homozygotes.

Submissions (2):

GeneDx
Classification: Benign. Last evaluated: 2018-11-12. Review status: criteria provided, single submitter. Criteria: GeneDx Variant Classification Process June 2021. Collection method: clinical testing. Allele origin: germline. Affected: yes.

Illumina Laboratory Services, Illumina
Classification: Benign for Polycystic liver disease 2. Last evaluated: 2018-01-13. Review status: criteria provided, single submitter. Criteria: ICSL Variant Classification Criteria 13 December 2019. Collection method: clinical testing. Allele origin: germline.
Comment: This variant was observed in the ICSL laboratory as part of a predisposition screen in an ostensibly healthy population. It had not been previously curated by ICSL or reported in the Human Gene Mutation Database (HGMD: prior to June 1st, 2018), and was therefore a candidate for classification through an automated scoring system. Utilizing variant allele frequency, disease prevalence and penetrance estimates, and inheritance mode, an automated score was calculated to assess if this variant is too frequent to cause the disease. Based on the score and internal cut-off values, a variant classified as benign is not then subjected to further curation. The score for this variant resulted in a classification of benign for this disease.

NM_007214.5(SEC63):c.*123T>A

Gene: SEC63 (SEC63 homolog, protein translocation regulator; minus strand). Cytogenetic location: 6q21.
Variant type: single nucleotide variant.
Coding change: c.*123T>A on transcript NM_007214.5 (MANE Select); 123 bases downstream of the stop codon, T replaced by A.
Molecular consequence: 3 prime UTR variant.
Genome position (GRCh38, 1-based): chr6:107,871,581, A>T on the plus strand (T>A on the coding strand, the complement: SEC63 is on the minus strand). VCF-style: chr6-107871581-A-T. GRCh37 (hg19) VCF-style: chr6-108192785-A-T.
Identifiers: ClinVar variation 354888 (VCV000354888.6), dbSNP rs503068, ClinGen allele CA10625612.